The following is an entry in ClinVar:

ClinVar aggregate classification (germline): Pathogenic (1 of 4 stars; one submission).

Conditions:
Familial thoracic aortic aneurysm and aortic dissection (TAAD). Also called: Thoracic aortic aneurysms and dissections. Identifiers: Orphanet 91387, MedGen C4707243, MONDO:0019625.
Marfan syndrome (MFS). Also called: Marfan syndrome, classic; Marfan syndrome type 1; Marfan's syndrome; FBN1-Related Marfan Syndrome; MARFAN SYNDROME, TYPE I. Identifiers: Orphanet 284963, Orphanet 558, MedGen C0024796, MONDO:0007947, OMIM 154700.

Submission:

Labcorp Genetics (formerly Invitae), Labcorp
Classification: Pathogenic for Marfan syndrome; Familial thoracic aortic aneurysm and aortic dissection. Last evaluated: 2019-07-09. Review status: criteria provided, single submitter. Criteria: Invitae Variant Classification Sherloc (09022015). Collection method: clinical testing. Allele origin: germline.
Comment: This sequence change creates a premature translational stop signal (p.Asn1730Lysfs*163) in the FBN1 gene. It is expected to result in an absent or disrupted protein product. This variant is not present in population databases (ExAC no frequency). This variant has not been reported in the literature in individuals with FBN1-related conditions. Loss-of-function variants in FBN1 are known to be pathogenic (PMID: 17657824, 19293843). For these reasons, this variant has been classified as Pathogenic.

NM_000138.5(FBN1):c.5190del (p.Asn1730fs)

Gene: FBN1 (fibrillin 1; minus strand). Cytogenetic location: 15q21.1.
Variant type: Deletion.
Coding change: c.5190del on transcript NM_000138.5 (MANE Select); coding-DNA position 5190, one base deleted (C; older notation c.5190delC).
Protein change: p.Asn1730fs; shifts the reading frame from asparagine 1730.
Molecular consequence: frameshift variant.
Genome position (GRCh38, 1-based): chr15:48,463,116, G deleted on the plus strand (C on the coding strand, the reverse complement: FBN1 is on the minus strand). VCF-style (leftmost placement, unchanged base first): chr15-48463115-TG-T. GRCh37 (hg19) VCF-style: chr15-48755312-TG-T.
Other names: short protein forms N1730fs.
Identifiers: ClinVar variation 948797 (VCV000948797.1), dbSNP rs2043292112, ClinGen allele CA1139663938.